The following is an entry in ClinVar:

NM_006348.5(COG5):c.314C>T (p.Thr105Met)

Gene: COG5 (component of oligomeric golgi complex 5; minus strand). Cytogenetic location: 7q22.3.
Variant type: single nucleotide variant.
Coding change: c.314C>T on transcript NM_006348.5 (MANE Select); coding-DNA position 314, C replaced by T.
Protein change: p.Thr105Met; replaces threonine 105 with methionine.
Molecular consequence: missense variant. On other transcripts: intron variant (1).
Genome position (GRCh38, 1-based): chr7:107,548,311, G>A on the plus strand (C>T on the coding strand, the complement: COG5 is on the minus strand). VCF-style: chr7-107548311-G-A. GRCh37 (hg19) VCF-style: chr7-107188756-G-A.
Other names: c.314C>T, p.Thr105Met (NM_001161520.2, NM_001379511.1, NM_001379512.1 and 4 more transcripts); c.234+9665C>T (NM_001379516.1); short protein forms T136M, T105M.
Identifiers: ClinVar variation 487221 (VCV000487221.26), dbSNP rs755030238, ClinGen allele CA4431443.

ClinVar aggregate classification (germline): Uncertain significance. Review status: criteria provided, multiple submitters, no conflicts (2 of 4 stars). 2 submissions from 2 submitters: Uncertain significance (2). Last evaluated 2025-02-01.

Conditions:
COG5-congenital disorder of glycosylation. Also called: COG5-CDG; CDG IIi; CONGENITAL DISORDER OF GLYCOSYLATION, TYPE IIi. Identifiers: Orphanet 263487, MedGen C3150876, MONDO:0013325, OMIM 613612.

Allele frequency attached by ClinVar (database versions not stated): gnomAD exomes 0.00002 and 0.00003; TOPMed 0.00003; ExAC 0.00004; gnomAD 0.00005 and 0.00006.
gnomAD v4.1: 31 of 1,613,580 alleles (0.0019%); highest among the groups gnomAD compares: African/African-American, 0.0067%; no homozygotes.

Submissions (2):

CeGaT Center for Human Genetics Tuebingen
Classification: Uncertain significance. Last evaluated: 2025-02-01. Review status: criteria provided, single submitter. Criteria: CeGaT Center For Human Genetics Tuebingen Variant Classification Criteria Version 2. Collection method: clinical testing. Allele origin: germline. Affected: yes. Observed: 3 variant alleles.
Comment: COG5: PM2

Labcorp Genetics (formerly Invitae), Labcorp
Classification: Uncertain significance for COG5-congenital disorder of glycosylation. Last evaluated: 2024-11-11. Review status: criteria provided, single submitter. Criteria: Invitae Variant Classification Sherloc (09022015). Collection method: clinical testing. Allele origin: germline.
Comment: This sequence change replaces threonine, which is neutral and polar, with methionine, which is neutral and non-polar, at codon 136 of the COG5 protein (p.Thr136Met). This variant is present in population databases (rs755030238, gnomAD 0.01%). This variant has not been reported in the literature in individuals affected with COG5-related conditions. ClinVar contains an entry for this variant (Variation ID: 487221). An algorithm developed to predict the effect of missense changes on protein structure and function outputs the following: PolyPhen-2: "Benign". The methionine amino acid residue is found in multiple mammalian species, which suggests that this missense change does not adversely affect protein function. In summary, the available evidence is currently insufficient to determine the role of this variant in disease. Therefore, it has been classified as a Variant of Uncertain Significance.